The following is an entry in ClinVar:

ClinVar aggregate classification (germline): Pathogenic/Likely pathogenic. Review status: criteria provided, multiple submitters, no conflicts (2 of 4 stars). 5 submissions from 5 submitters: Pathogenic (4); Likely pathogenic (1). Last evaluated 2025-09-02.

Conditions:
Autosomal recessive nonsyndromic hearing loss 77. Identifiers: Orphanet 90636, MedGen C2746083, MONDO:0013119, OMIM 613079.

Allele frequency attached by ClinVar (database versions not stated): gnomAD 0.00001; TOPMed 0.00002; gnomAD exomes 0.00002.
gnomAD v4.1: 12 of 1,550,576 alleles (0.00077%); highest among the groups gnomAD compares: Admixed American, 0.0098%; no homozygotes.

Submissions (5):

Natera, Inc.
Classification: Likely pathogenic for Autosomal recessive deafness type 77. Last evaluated: 2025-09-02. Review status: criteria provided, single submitter. Criteria: Natera Variant Classification Schema (03/2026). Collection method: clinical testing. Allele origin: germline.
Comment: The c.5944C>T variant in LOXHD1 is a nonsense variant predicted to introduce a stop codon at amino acid 1982. This variant is expected to result in nonsense mediated decay, truncation, or a dysfunctional protein product. This variant is rare in the general population with a frequency below the threshold expected for the associated phenotype(s). Given the available evidence, this variant is classified as Likely Pathogenic.

Myriad Genetics, Inc.
Classification: Pathogenic for Autosomal recessive nonsyndromic hearing loss 77. Last evaluated: 2024-05-14. Review status: criteria provided, single submitter. Criteria: Myriad Autosomal Dominant, Autosomal Recessive and X-Linked Classification Criteria (2023). Collection method: clinical testing. Allele origin: unknown.
Comment: NM_144612.6(LOXHD1):c.5944C>T(R1982*) is expected to be pathogenic in the context of nonsyndromic hearing loss, LOXHD1-related. This variant is predicted to lead to an abnormal or absent protein product due to the creation of a premature termination codon in LOXHD1, a gene where loss-of-function variants are known to be pathogenic. Please note: this variant was assessed in the context of healthy population screening.

Fulgent Genetics
Classification: Pathogenic for Autosomal recessive nonsyndromic hearing loss 77. Last evaluated: 2024-03-12. Review status: criteria provided, single submitter. Criteria: ACMG Guidelines, 2015. Collection method: clinical testing. Allele origin: germline.

Labcorp Genetics (formerly Invitae), Labcorp
Classification: Pathogenic. Last evaluated: 2023-07-24. Review status: criteria provided, single submitter. Criteria: Invitae Variant Classification Sherloc (09022015). Collection method: clinical testing. Allele origin: germline.
Comment: For these reasons, this variant has been classified as Pathogenic. Algorithms developed to predict the effect of sequence changes on RNA splicing suggest that this variant may disrupt the consensus splice site. This variant is present in population databases (no rsID available, gnomAD 0.01%). ClinVar contains an entry for this variant (Variation ID: 497393). This variant is also known as c.2797C>T (p.Arg933Stop). This premature translational stop signal has been observed in individual(s) with LOXHD1-related hearing loss (PMID: 26969326). This sequence change creates a premature translational stop signal (p.Arg1982*) in the LOXHD1 gene. It is expected to result in an absent or disrupted protein product. Loss-of-function variants in LOXHD1 are known to be pathogenic (PMID: 19732867, 21465660, 25792669).

Eurofins Ntd Llc (ga)
Classification: Pathogenic. Last evaluated: 2016-11-03. Review status: criteria provided, single submitter. Criteria: EGL Classification Definitions 2015. Collection method: clinical testing. Allele origin: germline. Observed: 1 variant allele, 1 heterozygote.

Literature cited by the submitters: PubMed 26969326 (cited by Labcorp Genetics (formerly Invitae), Labcorp); PubMed 19732867 (cited by Labcorp Genetics (formerly Invitae), Labcorp); PubMed 21465660 (cited by Labcorp Genetics (formerly Invitae), Labcorp); PubMed 25792669 (cited by Labcorp Genetics (formerly Invitae), Labcorp).

NM_001384474.1(LOXHD1):c.6130C>T (p.Arg2044Ter)

Gene: LOXHD1 (lipoxygenase homology PLAT domains 1; minus strand). Cytogenetic location: 18q21.1.
Variant type: single nucleotide variant.
Coding change: c.6130C>T on transcript NM_001384474.1 (MANE Select); coding-DNA position 6130, C replaced by T.
Protein change: p.Arg2044Ter; replaces arginine 2044 with a stop codon.
Molecular consequence: nonsense.
Genome position (GRCh38, 1-based): chr18:46,485,071, G>A on the plus strand (C>T on the coding strand, the complement: LOXHD1 is on the minus strand). VCF-style: chr18-46485071-G-A. GRCh37 (hg19) VCF-style: chr18-44065034-G-A.
Other names: c.2797C>T, p.Arg933Ter (NM_001145472.3); c.847C>T, p.Arg283Ter (NM_001145473.3, NM_001173129.2); c.2509C>T, p.Arg837Ter (NM_001308013.2); c.5944C>T, p.Arg1982Ter (NM_144612.7); short protein forms R1982*, R283*, R837*, R933*, R2044*.
Identifiers: ClinVar variation 497393 (VCV000497393.15), dbSNP rs1306586204, ClinGen allele CA402366311.
Genomic context (GRCh38, chr18:46,485,071, plus strand): 5'-CTTCCTACTTCCTAAAGGCCCGCTGCCTAGAAGAATTTTCCATGAGAAACTCTTTGGATC[G>A]GTTCTTCCTGCCCTCCAGGATGAGCCAGACGTTCTCCCTGGTTTCGCCTCCGTTGCCCGT-3'